The following is an entry in ClinVar:

ClinVar aggregate classification (germline): Uncertain significance (1 of 4 stars; one submission).

Submission:

GeneDx
Classification: Uncertain significance. Last evaluated: 2025-02-28. Review status: criteria provided, single submitter. Criteria: GeneDx Variant Classification Process June 2021. Collection method: clinical testing. Allele origin: germline. Affected: yes.
Comment: Not observed at significant frequency in large population cohorts (gnomAD); In silico analysis supports that this missense variant has a deleterious effect on protein structure/function; Has not been previously published as pathogenic or benign to our knowledge

NM_001357.5(DHX9):c.2342G>C (p.Arg781Pro)

Gene: DHX9 (DExH-box helicase 9; plus strand). Cytogenetic location: 1q25.3.
Variant type: single nucleotide variant.
Coding change: c.2342G>C on transcript NM_001357.5 (MANE Select); coding-DNA position 2342, G replaced by C.
Protein change: p.Arg781Pro; replaces arginine 781 with proline.
Molecular consequence: missense variant. On other transcripts: non-coding transcript variant (1).
Genome position (GRCh38, 1-based): chr1:182,878,164, G>C. VCF-style: chr1-182878164-G-C. GRCh37 (hg19) VCF-style: chr1-182847299-G-C.
Other names: short protein forms R781P.
Identifiers: ClinVar variation 4082614 (VCV004082614.1).